The following is an entry in ClinVar:

NM_138694.4(PKHD1):c.281+1G>A

Gene: PKHD1 (PKHD1 ciliary IPT domain containing fibrocystin/polyductin; minus strand). Cytogenetic location: 6p12.2.
Variant type: single nucleotide variant.
Coding change: c.281+1G>A on transcript NM_138694.4 (MANE Select); the canonical splice donor site of the intron after coding-DNA position 281, G replaced by A.
Molecular consequence: splice donor variant.
Genome position (GRCh38, 1-based): chr6:52,082,391, C>T on the plus strand (G>A on the coding strand, the complement: PKHD1 is on the minus strand). VCF-style: chr6-52082391-C-T. GRCh37 (hg19) VCF-style: chr6-51947189-C-T.
Other names: c.281+1G>A (NM_170724.3).
Identifiers: ClinVar variation 813396 (VCV000813396.3), dbSNP rs1582154630, ClinGen allele CA364440160.
Genomic context (GRCh38, chr6:52,082,391, plus strand): 5'-ATACTGAGATAAGCAAAAATCCCTCATCCTGTCTGGTCTTCCTATTCCCAGACAGGTATA[C>T]CTGGTCCGGCATGTCACCACAGGCAAATCCAAGAAAACAGGAAAGACGTCACAGGGAACA-3'

ClinVar aggregate classification (germline): Likely pathogenic. Review status: criteria provided, single submitter (1 of 4 stars). 2 submissions from 2 submitters: Likely pathogenic (1). 1 of the submissions does not count toward it. Last evaluated 2024-06-13.

Conditions:
Polycystic kidney disease 4 (PKD4). Also called: POLYCYSTIC KIDNEY AND HEPATIC DISEASE 1; POLYCYSTIC KIDNEY DISEASE, INFANTILE, TYPE I; POLYCYSTIC KIDNEY DISEASE 4 WITH OR WITHOUT POLYCYSTIC LIVER DISEASE; Autosomal Recessive Polycystic Kidney Disease – PKHD1; PKD3. Identifiers: MedGen C4540575, MONDO:0033004, OMIM 263200.
Autosomal recessive polycystic kidney disease (ARPKD). Also called: AR polycystic kidney disease. Identifiers: Orphanet 731, Orphanet 8378, MedGen C0085548, MeSH D017044, MONDO:0009889.

gnomAD v4.1: 3 of 1,614,030 alleles (0.00019%); highest among the groups gnomAD compares: Non-Finnish European, 0.00025%; no homozygotes.

Submissions (2):

Natera, Inc.
Classification: Likely pathogenic for Autosomal recessive polycystic kidney disease. Last evaluated: 2024-06-13. Review status: criteria provided, single submitter. Criteria: Natera Variant Classification Schema (03/2026). Collection method: clinical testing. Allele origin: germline.
Comment: The c.281+1G>A variant in PKHD1 is a canonical splice donor site variant predicted to affect pre-mRNA splicing, which may result in an abnormal transcript and altered protein product. This variant is expected to result in nonsense mediated decay, truncation, or a dysfunctional protein product. This variant is rare in the general population with a frequency below the threshold expected for the associated phenotype(s). Given the available evidence, this variant is classified as Likely Pathogenic.

Baylor Genetics
Classification: Likely pathogenic for Polycystic kidney disease 4. Review status: no assertion criteria provided. Collection method: clinical testing. Allele origin: unknown. Not counted in ClinVar's aggregate classification.